The following is an entry in ClinVar:

ClinVar aggregate classification (germline): Uncertain significance (1 of 4 stars; one submission).

Conditions:
Hereditary cancer-predisposing syndrome. Also called: Hereditary Cancer Syndrome; Hereditary neoplastic syndrome; Neoplastic Syndromes, Hereditary; Tumor predisposition. Identifiers: Orphanet 140162, MedGen C0027672, MeSH D009386, MONDO:0015356.

Submission:

Ambry Genetics
Classification: Uncertain significance for Hereditary cancer-predisposing syndrome. Last evaluated: 2023-05-10. Review status: criteria provided, single submitter. Criteria: Ambry Variant Classification Scheme 2023. Collection method: clinical testing. Allele origin: germline.
Comment: The p.S52R variant (also known as c.156C>A), located in coding exon 1 of the CDKN2A (p14ARF) gene, results from a C to A substitution at nucleotide position 156. The serine at codon 52 is replaced by arginine, an amino acid with dissimilar properties. This amino acid position is not well conserved in available vertebrate species. In addition, this alteration is predicted to be tolerated by in silico analysis. Since supporting evidence is limited at this time, the clinical significance of this alteration remains unclear.

NM_058195.4(CDKN2A):c.156C>A (p.Ser52Arg)

Gene: CDKN2A (cyclin dependent kinase inhibitor 2A; minus strand). Cytogenetic location: 9p21.3.
Variant type: single nucleotide variant.
Coding change: c.156C>A on transcript NM_058195.4 (MANE Plus Clinical); coding-DNA position 156, C replaced by A.
Protein change: p.Ser52Arg; replaces serine 52 with arginine.
Molecular consequence: missense variant. On other transcripts: intron variant (1).
Genome position (GRCh38, 1-based): chr9:21,994,176, G>T on the plus strand (C>A on the coding strand, the complement: CDKN2A is on the minus strand). VCF-style: chr9-21994176-G-T. GRCh37 (hg19) VCF-style: chr9-21994175-G-T.
Other names: c.-4+645C>A (NM_001363763.2); short protein forms S52R.
Identifiers: ClinVar variation 2563902 (VCV002563902.2), dbSNP rs2489326972, ClinGen allele CA373086836.
Genomic context (GRCh38, chr9:21,994,176, plus strand): 5'-GACTTTTCGAGGGCCTTTCCTACCTGGTCTTCTAGGAAGCGGCTGCTGCCCTAGACGCTG[G>T]CTCCTCAGTAGCATCAGCACGAGGGCCACAGCGGCGGGCGCCCCTGGCGCTGCCCACTCC-3'
Protein context (NP_478102.2, residues 42-62): AVALVLMLLR[Ser52Arg]QRLGQQPLPR